The following is an entry in ClinVar:

NM_000170.3(GLDC):c.49G>C (p.Gly17Arg)

Gene: GLDC (glycine decarboxylase; minus strand). Cytogenetic location: 9p24.1.
Variant type: single nucleotide variant.
Coding change: c.49G>C on transcript NM_000170.3 (MANE Select); coding-DNA position 49, G replaced by C.
Protein change: p.Gly17Arg; replaces glycine 17 with arginine.
Molecular consequence: missense variant.
Genome position (GRCh38, 1-based): chr9:6,645,451, C>G on the plus strand (G>C on the coding strand, the complement: GLDC is on the minus strand). VCF-style: chr9-6645451-C-G. GRCh37 (hg19) VCF-style: chr9-6645451-C-G.
Other names: short protein forms G17R.
Identifiers: ClinVar variation 2190708 (VCV002190708.1), dbSNP rs1819727230, ClinGen allele CA372887422.

ClinVar aggregate classification (germline): Uncertain significance (1 of 4 stars; one submission).

Conditions:
Glycine encephalopathy. Also called: Nonketotic hyperglycinemia; Non-ketotic hyperglycinemia. Identifiers: Orphanet 407, MedGen C0751748, MONDO:0011612, HP:0008288.

gnomAD v4.1: 18 of 1,257,128 alleles (0.0014%); highest among the groups gnomAD compares: Non-Finnish European, 0.0017%; no homozygotes.

Submission:

Labcorp Genetics (formerly Invitae), Labcorp
Classification: Uncertain significance for Glycine encephalopathy. Last evaluated: 2022-05-27. Review status: criteria provided, single submitter. Criteria: Invitae Variant Classification Sherloc (09022015). Collection method: clinical testing. Allele origin: germline.
Comment: This sequence change replaces glycine, which is neutral and non-polar, with arginine, which is basic and polar, at codon 17 of the GLDC protein (p.Gly17Arg). This variant is not present in population databases (gnomAD no frequency). This variant has not been reported in the literature in individuals affected with GLDC-related conditions. Advanced modeling of protein sequence and biophysical properties (such as structural, functional, and spatial information, amino acid conservation, physicochemical variation, residue mobility, and thermodynamic stability) performed at Invitae indicates that this missense variant is not expected to disrupt GLDC protein function. In summary, the available evidence is currently insufficient to determine the role of this variant in disease. Therefore, it has been classified as a Variant of Uncertain Significance.